The following is an entry in ClinVar:

ClinVar aggregate classification (germline): Uncertain significance (1 of 4 stars; one submission).

Conditions:
Left ventricular noncompaction 8 (LVNC8). Identifiers: Orphanet 154, Orphanet 54260, MedGen C3809288, MONDO:0014152, OMIM 615373.

gnomAD v4.1: 1 of 1,612,486 alleles (0.000062%); highest among the groups gnomAD compares: Non-Finnish European, 0.000085%; no homozygotes.

Submission:

Labcorp Genetics (formerly Invitae), Labcorp
Classification: Uncertain significance for Left ventricular noncompaction 8. Last evaluated: 2024-04-07. Review status: criteria provided, single submitter. Criteria: Invitae Variant Classification Sherloc (09022015). Collection method: clinical testing. Allele origin: germline.
Comment: This sequence change replaces serine, which is neutral and polar, with isoleucine, which is neutral and non-polar, at codon 1038 of the PRDM16 protein (p.Ser1038Ile). This variant is not present in population databases (gnomAD no frequency). This variant has not been reported in the literature in individuals affected with PRDM16-related conditions. An algorithm developed to predict the effect of missense changes on protein structure and function (PolyPhen-2) suggests that this variant is likely to be disruptive. In summary, the available evidence is currently insufficient to determine the role of this variant in disease. Therefore, it has been classified as a Variant of Uncertain Significance.

NM_022114.4(PRDM16):c.3113G>T (p.Ser1038Ile)

Gene: PRDM16 (PR/SET domain 16; plus strand). Cytogenetic location: 1p36.32.
Variant type: single nucleotide variant.
Coding change: c.3113G>T on transcript NM_022114.4 (MANE Select); coding-DNA position 3113, G replaced by T.
Protein change: p.Ser1038Ile; replaces serine 1038 with isoleucine.
Molecular consequence: missense variant.
Genome position (GRCh38, 1-based): chr1:3,426,054, G>T. VCF-style: chr1-3426054-G-T. GRCh37 (hg19) VCF-style: chr1-3342618-G-T.
Other names: c.3113G>T, p.Ser1038Ile (NM_199454.3); short protein forms S1038I.
Identifiers: ClinVar variation 3648248 (VCV003648248.2).